The following is an entry in ClinVar:

NM_001377.3(DYNC2H1):c.3745-1G>A

Gene: DYNC2H1 (dynein cytoplasmic 2 heavy chain 1; plus strand). Cytogenetic location: 11q22.3.
Variant type: single nucleotide variant.
Coding change: c.3745-1G>A on transcript NM_001377.3 (MANE Select); the canonical splice acceptor site of the intron before coding-DNA position 3745, G replaced by A.
Molecular consequence: splice acceptor variant.
Genome position (GRCh38, 1-based): chr11:103,156,387, G>A. VCF-style: chr11-103156387-G-A. GRCh37 (hg19) VCF-style: chr11-103027116-G-A.
Other names: c.3745-1G>A (NM_001080463.2).
Identifiers: ClinVar variation 2760727 (VCV002760727.3), dbSNP rs2497060336, ClinGen allele CA382274395.

ClinVar aggregate classification (germline): Likely pathogenic (1 of 4 stars; one submission).

Conditions:
Jeune thoracic dystrophy. Also called: Jeune syndrome; Infantile thoracic dystrophy; Thoracic pelvic phalangeal dystrophy; Jeune's syndrome; Chondroectodermal dysplasia-like syndrome; Short-rib thoracic dysplasia. Identifiers: Orphanet 474, MedGen C0265275, MONDO:0018770.

Submission:

Labcorp Genetics (formerly Invitae), Labcorp
Classification: Likely pathogenic for Jeune thoracic dystrophy. Last evaluated: 2023-09-14. Review status: criteria provided, single submitter. Criteria: Invitae Variant Classification Sherloc (09022015). Collection method: clinical testing. Allele origin: germline.
Comment: This sequence change affects an acceptor splice site in intron 25 of the DYNC2H1 gene. It is expected to disrupt RNA splicing. Variants that disrupt the donor or acceptor splice site typically lead to a loss of protein function (PMID: 16199547), and loss-of-function variants in DYNC2H1 are known to be pathogenic (PMID: 23339108, 32753734, 33755199). This variant is not present in population databases (gnomAD no frequency). This variant has not been reported in the literature in individuals affected with DYNC2H1-related conditions. Algorithms developed to predict the effect of sequence changes on RNA splicing suggest that this variant may disrupt the consensus splice site. In summary, the currently available evidence indicates that the variant is pathogenic, but additional data are needed to prove that conclusively. Therefore, this variant has been classified as Likely Pathogenic.

Literature cited by the submitters: PubMed 16199547; PubMed 23339108; PubMed 32753734; PubMed 33755199.